The following is an entry in ClinVar:

ClinVar aggregate classification (germline): Uncertain significance (1 of 4 stars; one submission).

Conditions:
Cardiovascular phenotype. Identifiers: MedGen CN230736.

Submission:

Ambry Genetics
Classification: Uncertain significance for Cardiovascular phenotype. Last evaluated: 2022-04-19. Review status: criteria provided, single submitter. Criteria: Ambry Variant Classification Scheme 2023. Collection method: clinical testing. Allele origin: germline.
Comment: The p.R16H variant (also known as c.47G>A), located in coding exon 1 of the KCNJ8 gene, results from a G to A substitution at nucleotide position 47. The arginine at codon 16 is replaced by histidine, an amino acid with highly similar properties. This amino acid position is conserved. In addition, the in silico prediction for this alteration is inconclusive. Since supporting evidence is limited at this time, the clinical significance of this alteration remains unclear.

NM_004982.4(KCNJ8):c.47G>A (p.Arg16His)

Genes: KCNJ8 (potassium inwardly rectifying channel subfamily J member 8; minus strand), KCNJ8-AS1 (KCNJ8 antisense RNA 1; plus strand). Cytogenetic location: 12p12.1.
Variant type: single nucleotide variant.
Coding change: c.47G>A on transcript NM_004982.4 (MANE Select); coding-DNA position 47, G replaced by A.
Protein change: p.Arg16His; replaces arginine 16 with histidine.
Molecular consequence: missense variant.
Genome position (GRCh38, 1-based): chr12:21,773,570, C>T on the plus strand (G>A on the coding strand, the complement: KCNJ8 is on the minus strand). VCF-style: chr12-21773570-C-T. GRCh37 (hg19) VCF-style: chr12-21926504-C-T.
Identifiers: ClinVar variation 1743183 (VCV001743183.2), dbSNP rs1319634603, ClinGen allele CA384132663.
Genomic context (GRCh38, chr12:21,773,570, plus strand): 5'-AAGCGGGCTTTGGGGAGGCGGTCTCGGATGCGCGGCTTGCGCAGGTTCTCTGCGGCGATG[C>T]GCGCCAGCACATACTCCTCCGGGATGATACTCTTTCTGGCCAACATCGTCCTGTCACCAT-3'
Protein context (NP_004973.1, residues 6-26): SIIPEEYVLA[Arg16His]IAAENLRKPR